The following is an entry in ClinVar:

ClinVar aggregate classification (germline): Uncertain significance. Review status: criteria provided, multiple submitters, no conflicts (2 of 4 stars). 2 submissions from 2 submitters: Uncertain significance (2). Last evaluated 2025-02-20.

Conditions:
Myasthenic syndrome, congenital, 22 (CMS22). Also called: PREPL DEFICIENCY. Identifiers: MedGen C4479088, MONDO:0044299, OMIM 616224.
Inborn genetic diseases. Identifiers: MedGen C0950123, MeSH D030342.

Allele frequency attached by ClinVar (database versions not stated): ExAC 0.00002; gnomAD 0.00002; gnomAD exomes 0.00002; TOPMed 0.00002; ESP Exome Variant Server 0.00015.
gnomAD v4.1: 9 of 1,613,828 alleles (0.00056%); highest among the groups gnomAD compares: Non-Finnish European, 0.00076%; no homozygotes.

Submissions (2):

Ambry Genetics
Classification: Uncertain significance for Inborn genetic diseases. Last evaluated: 2025-02-20. Review status: criteria provided, single submitter. Criteria: Ambry Variant Classification Scheme 2023. Collection method: clinical testing. Allele origin: germline.

Labcorp Genetics (formerly Invitae), Labcorp
Classification: Uncertain significance for Myasthenic syndrome, congenital, 22. Last evaluated: 2024-08-21. Review status: criteria provided, single submitter. Criteria: Invitae Variant Classification Sherloc (09022015). Collection method: clinical testing. Allele origin: germline.
Comment: This sequence change replaces serine, which is neutral and polar, with threonine, which is neutral and polar, at codon 182 of the PREPL protein (p.Ser182Thr). This variant is present in population databases (rs373911326, gnomAD 0.005%). This variant has not been reported in the literature in individuals affected with PREPL-related conditions. ClinVar contains an entry for this variant (Variation ID: 1467483). Invitae Evidence Modeling of protein sequence and biophysical properties (such as structural, functional, and spatial information, amino acid conservation, physicochemical variation, residue mobility, and thermodynamic stability) indicates that this missense variant is not expected to disrupt PREPL protein function with a negative predictive value of 80%. In summary, the available evidence is currently insufficient to determine the role of this variant in disease. Therefore, it has been classified as a Variant of Uncertain Significance.

NM_001171613.2(PREPL):c.277T>A (p.Ser93Thr)

Gene: PREPL (prolyl endopeptidase like; minus strand). Cytogenetic location: 2p21.
Variant type: single nucleotide variant.
Coding change: c.277T>A on transcript NM_001171613.2 (MANE Select); coding-DNA position 277, T replaced by A.
Protein change: p.Ser93Thr; replaces serine 93 with threonine.
Molecular consequence: missense variant.
Genome position (GRCh38, 1-based): chr2:44,343,817, A>T on the plus strand (T>A on the coding strand, the complement: PREPL is on the minus strand). VCF-style: chr2-44343817-A-T. GRCh37 (hg19) VCF-style: chr2-44570956-A-T.
Other names: c.544T>A, p.Ser182Thr (NM_001042385.2, NM_001042386.2, NM_001171603.1 and 4 more transcripts); c.277T>A, p.Ser93Thr (NM_001171617.1, NM_001374277.1); short protein forms S182T, S93T.
Identifiers: ClinVar variation 1467483 (VCV001467483.8), dbSNP rs373911326, ClinGen allele CA1641556.
Genomic context (GRCh38, chr2:44,343,817, plus strand): 5'-CATTCGGGAAAGAAGCTTCCATTACGGGCTGATCGCTGAGCTTTATAATTACACAGGTAG[A>T]TGCTTCAGAATCTTCAGTTCTTATCTTGGCAGCCACATATTTTTCATCTGGAGCAACTCT-3'
Protein context (NP_001165084.1, residues 83-103): AKIRTEDSEA[Ser93Thr]TCVIIKLSDQ